The following is an entry in ClinVar:

ClinVar aggregate classification (germline): Uncertain significance. Review status: criteria provided, multiple submitters, no conflicts (2 of 4 stars). 2 submissions from 2 submitters: Uncertain significance (2). Last evaluated 2026-02-25.

Conditions:
Developmental and epileptic encephalopathy, 12 (DEE12). Identifiers: MedGen C3150988, MONDO:0013389, OMIM 613722.

Allele frequency attached by ClinVar (database versions not stated): gnomAD 0.00001; gnomAD exomes below 0.00001; TOPMed 0.00002.
gnomAD v4.1: 4 of 1,614,068 alleles (0.00025%); highest among the groups gnomAD compares: African/African-American, 0.0013%; no homozygotes.

Submissions (2):

GeneDx
Classification: Uncertain significance. Last evaluated: 2026-02-25. Review status: criteria provided, single submitter. Criteria: GeneDx Variant Classification Process June 2021. Collection method: clinical testing. Allele origin: germline.
Comment: Not observed at significant frequency in large population cohorts (gnomAD); In silico analysis supports that this missense variant has a deleterious effect on protein structure/function; Has not been previously published as pathogenic or benign to our knowledge; This variant is associated with the following publications: (PMID: 22508754)

Labcorp Genetics (formerly Invitae), Labcorp
Classification: Uncertain significance for Developmental and epileptic encephalopathy, 12. Last evaluated: 2021-10-02. Review status: criteria provided, single submitter. Criteria: Invitae Variant Classification Sherloc (09022015). Collection method: clinical testing. Allele origin: germline.
Comment: This sequence change replaces glutamic acid with lysine at codon 493 of the PNKP protein (p.Glu493Lys). The glutamic acid residue is highly conserved and there is a small physicochemical difference between glutamic acid and lysine. This variant is not present in population databases (ExAC no frequency). This variant has not been reported in the literature in individuals affected with PNKP-related conditions. Algorithms developed to predict the effect of missense changes on protein structure and function are either unavailable or do not agree on the potential impact of this missense change (SIFT: "Deleterious"; PolyPhen-2: "Possibly Damaging"; Align-GVGD: "Class C0"). In summary, the available evidence is currently insufficient to determine the role of this variant in disease. Therefore, it has been classified as a Variant of Uncertain Significance.

NM_007254.4(PNKP):c.1477G>A (p.Glu493Lys)

Gene: PNKP (polynucleotide kinase 3'-phosphatase; minus strand). Cytogenetic location: 19q13.33.
Variant type: single nucleotide variant.
Coding change: c.1477G>A on transcript NM_007254.4 (MANE Select); coding-DNA position 1477, G replaced by A.
Protein change: p.Glu493Lys; replaces glutamic acid 493 with lysine.
Molecular consequence: missense variant.
Genome position (GRCh38, 1-based): chr19:49,861,337, C>T on the plus strand (G>A on the coding strand, the complement: PNKP is on the minus strand). VCF-style: chr19-49861337-C-T. GRCh37 (hg19) VCF-style: chr19-50364594-C-T.
Other names: c.1477G>A (NM_007254.2); short protein forms E493K.
Identifiers: ClinVar variation 1501901 (VCV001501901.4), dbSNP rs1488577824, ClinGen allele CA406932516.